The following is an entry in ClinVar:

NM_000218.3(KCNQ1):c.1733-1G>A

Gene: KCNQ1 (potassium voltage-gated channel subfamily Q member 1; plus strand). Cytogenetic location: 11p15.5.
Variant type: single nucleotide variant.
Coding change: c.1733-1G>A on transcript NM_000218.3 (MANE Select); the canonical splice acceptor site of the intron before coding-DNA position 1733, G replaced by A.
Molecular consequence: splice acceptor variant.
Genome position (GRCh38, 1-based): chr11:2,777,975, G>A. VCF-style: chr11-2777975-G-A. GRCh37 (hg19) VCF-style: chr11-2799205-G-A.
Other names: c.1463-1G>A (NM_001406837.1); c.1637-1G>A (NM_001406836.1); c.1193-1G>A (NM_001406838.1); c.1352-1G>A (NM_181798.2); c.245-1G>A (NM_001406839.1).
Identifiers: ClinVar variation 4688928 (VCV004688928.3).

ClinVar aggregate classification (germline): Pathogenic. Review status: criteria provided, multiple submitters, no conflicts (2 of 4 stars). 3 submissions from 3 submitters: Pathogenic (3). Last evaluated 2026-04-20.

Conditions:
Long QT syndrome (LQTS). Identifiers: MedGen C0023976, MeSH D008133, MONDO:0002442. Disease mechanism: loss of function. Inheritance: Various modes of inheritance.

Submissions (3):

GeneDx
Classification: Pathogenic. Last evaluated: 2026-04-20. Review status: criteria provided, single submitter. Criteria: GeneDx Variant Classification Process June 2021. Collection method: clinical testing. Allele origin: germline.
Comment: Canonical splice site variant predicted to result in a null allele in a gene for which loss of function is a known mechanism of disease; Identified in patients with LQTS referred for genetic testing at GeneDx and in published literature (PMID: 34505893); Not observed at significant frequency in large population cohorts (gnomAD); This variant is associated with the following publications: (PMID: 34505893)

Women's Health and Genetics/Laboratory Corporation of America, LabCorp
Classification: Pathogenic for Long QT syndrome. Last evaluated: 2025-12-22. Review status: criteria provided, single submitter. Criteria: LabCorp Variant Classification Summary - May 2015. Collection method: clinical testing. Allele origin: germline.
Comment: Variant summary: KCNQ1 c.1733-1G>A is located in a canonical splice-site and is predicted to affect mRNA splicing resulting in a significantly altered protein due to either exon skipping, shortening, or inclusion of intronic material. Variants that disrupt the consensus splice site are a relatively common cause of aberrant splicing and loss of KCNQ1 function. Several computational tools predict a significant impact on normal splicing: four predict the variant abolishes the 3' acceptor site, while two predict the variant strengthens a cryptic (exonic) 3' acceptor site. However, these predictions have yet to be confirmed by functional studies. The variant was absent in 250904 control chromosomes (gnomAD). c.1733-1G>A has been observed in heterozygous individuals affected with Long QT Syndrome (Schwartz_2021). These data indicate that the variant is likely to be associated with disease. To our knowledge, no experimental evidence demonstrating an impact on protein function has been reported. No submitters have cited clinical-significance assessments for this variant to ClinVar. Based on the evidence outlined above, the variant was classified as pathogenic.

Labcorp Genetics (formerly Invitae), Labcorp
Classification: Pathogenic for Long QT syndrome. Last evaluated: 2025-10-27. Review status: criteria provided, single submitter. Criteria: Invitae Variant Classification Sherloc (09022015). Collection method: clinical testing. Allele origin: germline.
Comment: This sequence change affects an acceptor splice site in intron 14 of the KCNQ1 gene. It is expected to disrupt RNA splicing. Variants that disrupt the donor or acceptor splice site typically lead to a loss of protein function (PMID: 16199547), and loss-of-function variants in KCNQ1 are known to be pathogenic (PMID: 9323054, 19862833). This variant is not present in population databases (gnomAD no frequency). Disruption of this splice site has been observed in individual(s) with KCNQ1-related conditions (PMID: 27041150, 34505893). It has also been observed to segregate with disease in related individuals. Algorithms developed to predict the effect of sequence changes on RNA splicing suggest that this variant may disrupt the consensus splice site. For these reasons, this variant has been classified as Pathogenic.

Literature cited by the submitters: PubMed 34505893 (cited by Women's Health and Genetics/Laboratory Corporation of America, LabCorp and Labcorp Genetics (formerly Invitae), Labcorp); PubMed 16199547 (cited by Labcorp Genetics (formerly Invitae), Labcorp); PubMed 9323054 (cited by Labcorp Genetics (formerly Invitae), Labcorp); PubMed 19862833 (cited by Labcorp Genetics (formerly Invitae), Labcorp); PubMed 27041150 (cited by Labcorp Genetics (formerly Invitae), Labcorp).